The following is an entry in ClinVar:

ClinVar aggregate classification (germline): Uncertain significance (1 of 4 stars; one submission).

Conditions:
Autosomal dominant Parkinson disease 8. Also called: LRRK2-Related Parkinson Disease; Parkinson disease 8; Parkinson disease 8, susceptibility to. Identifiers: Orphanet 411602, MedGen C1846862, MONDO:0011764, OMIM 607060.

Allele frequency attached by ClinVar (database versions not stated): gnomAD 0.00001; TOPMed 0.00001.
gnomAD v4.1: 2 of 1,613,744 alleles (0.00012%); highest among the groups gnomAD compares: African/African-American, 0.0027%; no homozygotes.

Submission:

Labcorp Genetics (formerly Invitae), Labcorp
Classification: Uncertain significance for Autosomal dominant Parkinson disease 8. Last evaluated: 2021-11-24. Review status: criteria provided, single submitter. Criteria: Invitae Variant Classification Sherloc (09022015). Collection method: clinical testing. Allele origin: germline.
Comment: This variant is present in population databases (no rsID available, gnomAD 0.02%). In summary, the available evidence is currently insufficient to determine the role of this variant in disease. Therefore, it has been classified as a Variant of Uncertain Significance. Algorithms developed to predict the effect of missense changes on protein structure and function are either unavailable or do not agree on the potential impact of this missense change (SIFT: "Deleterious"; PolyPhen-2: "Possibly Damaging"; Align-GVGD: "Class C0"). This variant has not been reported in the literature in individuals affected with LRRK2-related conditions. This sequence change replaces alanine, which is neutral and non-polar, with valine, which is neutral and non-polar, at codon 795 of the LRRK2 protein (p.Ala795Val).

NM_198578.4(LRRK2):c.2384C>T (p.Ala795Val)

Gene: LRRK2 (leucine rich repeat kinase 2; plus strand). Cytogenetic location: 12q12.
Variant type: single nucleotide variant.
Coding change: c.2384C>T on transcript NM_198578.4 (MANE Select); coding-DNA position 2384, C replaced by T.
Protein change: p.Ala795Val; replaces alanine 795 with valine.
Molecular consequence: missense variant.
Genome position (GRCh38, 1-based): chr12:40,284,017, C>T. VCF-style: chr12-40284017-C-T. GRCh37 (hg19) VCF-style: chr12-40677819-C-T.
Other names: short protein forms A795V.
Identifiers: ClinVar variation 1464083 (VCV001464083.6), dbSNP rs1402390466, ClinGen allele CA384406843.
Genomic context (GRCh38, chr12:40,284,017, plus strand): 5'-TGACGATAAGCATTGGGAAAGGTGACAGCCAGATCATCAGCTTGCTCTTAAGGAGGCTGG[C>T]CCTGGATGTGGCCAACAATAGCATTTGCCTTGGAGGATTTTGTATAGGAAAAGTTGAACC-3'
Protein context (NP_940980.4, residues 785-805): QIISLLLRRL[Ala795Val]LDVANNSICL